The following is an entry in ClinVar:

NM_203447.4(DOCK8):c.6188G>A (p.Arg2063Gln)

Gene: DOCK8 (dedicator of cytokinesis 8; plus strand). Cytogenetic location: 9p24.3.
Variant type: single nucleotide variant.
Coding change: c.6188G>A on transcript NM_203447.4 (MANE Select); coding-DNA position 6188, G replaced by A.
Protein change: p.Arg2063Gln; replaces arginine 2063 with glutamine.
Molecular consequence: missense variant.
Genome position (GRCh38, 1-based): chr9:463,636, G>A. VCF-style: chr9-463636-G-A. GRCh37 (hg19) VCF-style: chr9-463636-G-A.
Other names: c.5888G>A, p.Arg1963Gln (NM_001190458.2); c.5984G>A, p.Arg1995Gln (NM_001193536.2); short protein forms R2063Q, R1963Q, R1995Q.
Identifiers: ClinVar variation 575724 (VCV000575724.8), dbSNP rs573916091, ClinGen allele CA4959708.

ClinVar aggregate classification (germline): Uncertain significance. Review status: criteria provided, multiple submitters, no conflicts (2 of 4 stars). 3 submissions from 3 submitters: Uncertain significance (3). Last evaluated 2025-11-12.

Conditions:
Inborn genetic diseases. Identifiers: MedGen C0950123, MeSH D030342.
Combined immunodeficiency due to DOCK8 deficiency (HIES2). Also called: HIES autosomal recessive; HYPER-IgE RECURRENT INFECTION SYNDROME 2, AUTOSOMAL RECESSIVE; HYPER-IgE SYNDROME 2, AUTOSOMAL RECESSIVE, WITH RECURRENT INFECTIONS; DOCK8 Deficiency; Hyper-IgE recurrent infection syndrome, autosomal recessive. Identifiers: Orphanet 217390, MedGen C4722305, MONDO:0009478, OMIM 243700.

Allele frequency attached by ClinVar (database versions not stated): gnomAD 0.00002 and 0.00003; TOPMed 0.00002; gnomAD exomes 0.00006 and 0.00007; ExAC 0.00009; 1000 Genomes Project 30x 0.00016; 1000 Genomes Project 0.00020.
gnomAD v4.1: 99 of 1,613,704 alleles (0.0061%); highest among the groups gnomAD compares: Middle Eastern, 0.016%; no homozygotes.

Submissions (3):

Ambry Genetics
Classification: Uncertain significance for Inborn genetic diseases. Last evaluated: 2025-11-12. Review status: criteria provided, single submitter. Criteria: Ambry Variant Classification Scheme 2023. Collection method: clinical testing. Allele origin: germline.

Labcorp Genetics (formerly Invitae), Labcorp
Classification: Uncertain significance for Combined immunodeficiency due to DOCK8 deficiency. Last evaluated: 2025-04-30. Review status: criteria provided, single submitter. Criteria: Invitae Variant Classification Sherloc (09022015). Collection method: clinical testing. Allele origin: germline.
Comment: This sequence change replaces arginine, which is basic and polar, with glutamine, which is neutral and polar, at codon 2063 of the DOCK8 protein (p.Arg2063Gln). This variant is present in population databases (rs573916091, gnomAD 0.02%). This variant has not been reported in the literature in individuals affected with DOCK8-related conditions. ClinVar contains an entry for this variant (Variation ID: 575724). Invitae Evidence Modeling of protein sequence and biophysical properties (such as structural, functional, and spatial information, amino acid conservation, physicochemical variation, residue mobility, and thermodynamic stability) indicates that this missense variant is not expected to disrupt DOCK8 protein function with a negative predictive value of 80%. In summary, the available evidence is currently insufficient to determine the role of this variant in disease. Therefore, it has been classified as a Variant of Uncertain Significance.

Breakthrough Genomics
Classification: Uncertain significance. Review status: criteria provided, single submitter. Criteria: ACMG Guidelines, 2015. Collection method: not provided. Allele origin: germline. Inheritance: Autosomal recessive inheritance. Affected: yes.